The following is an entry in ClinVar:

NM_001005242.3(PKP2):c.89T>C (p.Leu30Pro)

Gene: PKP2 (plakophilin 2; minus strand). Cytogenetic location: 12p11.21.
Variant type: single nucleotide variant.
Coding change: c.89T>C on transcript NM_001005242.3 (MANE Select); coding-DNA position 89, T replaced by C.
Protein change: p.Leu30Pro; replaces leucine 30 with proline.
Molecular consequence: missense variant. On other transcripts: 5 prime UTR variant (4).
Genome position (GRCh38, 1-based): chr12:32,896,643, A>G on the plus strand (T>C on the coding strand, the complement: PKP2 is on the minus strand). VCF-style: chr12-32896643-A-G. GRCh37 (hg19) VCF-style: chr12-33049577-A-G.
Other names: c.89T>C, p.Leu30Pro (NM_001407155.1, NM_001407156.1, NM_001407157.1 and 2 more transcripts); c.-738T>C (NM_001407158.1, NM_001407162.1); c.-502T>C (NM_001407159.1, NM_001407160.1); short protein forms L30P.
Identifiers: ClinVar variation 4757524 (VCV004757524.1).

ClinVar aggregate classification (germline): Uncertain significance (1 of 4 stars; one submission).

Conditions:
Cardiomyopathy (CMYO). Also called: Cardiomyopathies. Identifiers: Orphanet 167848, MedGen C0878544, MONDO:0004994, HP:0001638. Inheritance: Various modes of inheritance.

Submission:

Color Diagnostics, LLC DBA Color Health
Classification: Uncertain significance for Cardiomyopathy. Last evaluated: 2025-06-30. Review status: criteria provided, single submitter. Criteria: ACMG Guidelines, 2015. Collection method: clinical testing. Allele origin: germline.
Comment: This missense variant replaces leucine with proline at codon 30 of the PKP2 protein. Computational prediction is inconclusive regarding the impact of this variant on protein structure and function. To our knowledge, functional studies have not been reported for this variant. This variant has not been reported in individuals affected with PKP2-related disorders in the literature. This variant has not been identified in the general population by the Genome Aggregation Database (gnomAD). The available evidence is insufficient to determine the role of this variant in disease conclusively. Therefore, this variant is classified as a Variant of Uncertain Significance.